The following is an entry in ClinVar:

ClinVar aggregate classification (germline): Conflicting classifications of pathogenicity. Review status: criteria provided, conflicting classifications (1 of 4 stars). 6 submissions from 6 submitters: Uncertain significance (3); Likely benign (1). 2 of the submissions do not count toward it. Last evaluated 2026-01-20.

Conditions:
Alanine glyoxylate aminotransferase deficiency. Identifiers: MedGen CN305373, MONDO:0100278.
AGXT-related disorder. Also called: AGXT-related condition.
Primary hyperoxaluria, type I (HP1). Also called: GLYCOLIC ACIDURIA; HEPATIC AGT DEFICIENCY; OXALOSIS I; Primary hyperoxaluria type 1. Identifiers: Orphanet 416, Orphanet 93598, MedGen C0268164, MONDO:0009823, OMIM 259900. Disease mechanism: loss of function.

Allele frequency attached by ClinVar (database versions not stated): 1000 Genomes Project 30x 0.00078; 1000 Genomes Project 0.00080.
gnomAD v4.1: 938 of 1,612,894 alleles (0.058%); highest among the groups gnomAD compares: East Asian, 0.074%; 3 homozygotes.

Submissions (6):

Labcorp Genetics (formerly Invitae), Labcorp
Classification: Likely benign. Last evaluated: 2026-01-20. Review status: criteria provided, single submitter. Criteria: Invitae Variant Classification Sherloc (09022015). Collection method: clinical testing. Allele origin: germline.

Blueprint Genetics
Classification: Uncertain significance. Last evaluated: 2024-10-24. Review status: criteria provided, single submitter. Criteria: ACMG Guidelines, 2015. Collection method: clinical testing. Allele origin: germline.

Department of Pathology and Laboratory Medicine, Sinai Health System
Classification: Uncertain significance for alanine glyoxylate aminotransferase deficiency. Last evaluated: 2021-10-15. Review status: criteria provided, single submitter. Criteria: ACMG Guidelines, 2015. Collection method: research. Allele origin: germline.

Illumina Laboratory Services, Illumina
Classification: Uncertain significance for Primary hyperoxaluria, type I. Last evaluated: 2017-04-28. Review status: criteria provided, single submitter. Criteria: ICSL Variant Classification Criteria 13 December 2019. Collection method: clinical testing. Allele origin: germline.
Comment: This variant was observed as part of a predisposition screen in an ostensibly healthy population. A literature search was performed for the gene, cDNA change, and amino acid change (where applicable). Publications were found based on this search. However, the evidence from the literature, in combination with allele frequency data from public databases where available, was not sufficient to rule this variant in or out of causing disease. Therefore, this variant is classified as a variant of unknown significance.

PreventionGenetics, part of Exact Sciences
Classification: Likely benign for AGXT-related condition. Last evaluated: 2024-06-27. Review status: no assertion criteria provided. Collection method: clinical testing. Allele origin: germline. Not counted in ClinVar's aggregate classification.
Comment: This variant is classified as likely benign based on ACMG/AMP sequence variant interpretation guidelines (Richards et al. 2015 PMID: 25741868, with internal and published modifications).

Clinical Biochemistry Laboratory, Health Services Laboratory
Classification: Uncertain significance for Primary hyperoxaluria, type I. Last evaluated: 2014-11-27. Review status: no assertion criteria provided. Collection method: in vitro. Allele origin: germline. Affected: yes. Not counted in ClinVar's aggregate classification.

Literature cited by the submitters: PubMed 19479957 (cited by Illumina Laboratory Services, Illumina and Clinical Biochemistry Laboratory, Health Services Laboratory).

NM_000030.3(AGXT):c.32C>A (p.Pro11His)

Gene: AGXT (alanine--glyoxylate aminotransferase; plus strand). Cytogenetic location: 2q37.3.
Variant type: single nucleotide variant.
Coding change: c.32C>A on transcript NM_000030.3 (MANE Select); coding-DNA position 32, C replaced by A.
Protein change: p.Pro11His; replaces proline 11 with histidine.
Molecular consequence: missense variant.
Genome position (GRCh38, 1-based): chr2:240,868,897, C>A. VCF-style: chr2-240868897-C-A. GRCh37 (hg19) VCF-style: chr2-241808314-C-A.
Other names: short protein forms P11H.
Identifiers: ClinVar variation 204018 (VCV000204018.20), dbSNP rs34116584, ClinGen allele CA275544.